The following is an entry in ClinVar:

ClinVar aggregate classification (germline): Uncertain significance (1 of 4 stars; one submission).

Allele frequency attached by ClinVar (database versions not stated): gnomAD exomes 0.00002; TOPMed 0.00004; gnomAD 0.00005; ExAC 0.00011.
gnomAD v4.1: 35 of 1,612,336 alleles (0.0022%); highest among the groups gnomAD compares: East Asian, 0.045%; no homozygotes.

Submission:

Labcorp Genetics (formerly Invitae), Labcorp
Classification: Uncertain significance. Last evaluated: 2025-04-02. Review status: criteria provided, single submitter. Criteria: Invitae Variant Classification Sherloc (09022015). Collection method: clinical testing. Allele origin: germline.
Comment: This sequence change replaces isoleucine, which is neutral and non-polar, with valine, which is neutral and non-polar, at codon 989 of the EFL1 protein (p.Ile989Val). This variant is present in population databases (rs532264260, gnomAD 0.1%). This variant has not been reported in the literature in individuals affected with EFL1-related conditions. ClinVar contains an entry for this variant (Variation ID: 1952867). Invitae Evidence Modeling of protein sequence and biophysical properties (such as structural, functional, and spatial information, amino acid conservation, physicochemical variation, residue mobility, and thermodynamic stability) indicates that this missense variant is not expected to disrupt EFL1 protein function with a negative predictive value of 80%. In summary, the available evidence is currently insufficient to determine the role of this variant in disease. Therefore, it has been classified as a Variant of Uncertain Significance.

NM_024580.6(EFL1):c.2965A>G (p.Ile989Val)

Gene: EFL1 (elongation factor like GTPase 1; minus strand). Cytogenetic location: 15q25.2.
Variant type: single nucleotide variant.
Coding change: c.2965A>G on transcript NM_024580.6 (MANE Select); coding-DNA position 2965, A replaced by G.
Protein change: p.Ile989Val; replaces isoleucine 989 with valine.
Molecular consequence: missense variant. On other transcripts: non-coding transcript variant (1).
Genome position (GRCh38, 1-based): chr15:82,151,489, T>C on the plus strand (A>G on the coding strand, the complement: EFL1 is on the minus strand). VCF-style: chr15-82151489-T-C. GRCh37 (hg19) VCF-style: chr15-82443830-T-C.
Other names: c.2812A>G, p.Ile938Val (NM_001040610.3); c.2176A>G, p.Ile726Val (NM_001322844.2); c.2965A>G, p.Ile989Val (NM_001322845.2); short protein forms I938V, I726V, I989V.
Identifiers: ClinVar variation 1952867 (VCV001952867.5), dbSNP rs532264260, ClinGen allele CA7697669.